The following is an entry in ClinVar:

NM_032043.3(BRIP1):c.508-2A>T

Gene: BRIP1 (BRCA1 interacting DNA helicase 1; minus strand). Cytogenetic location: 17q23.2.
Variant type: single nucleotide variant.
Coding change: c.508-2A>T on transcript NM_032043.3 (MANE Select); the canonical splice acceptor site of the intron before coding-DNA position 508, A replaced by T.
Molecular consequence: splice acceptor variant.
Genome position (GRCh38, 1-based): chr17:61,847,222, T>A on the plus strand (A>T on the coding strand, the complement: BRIP1 is on the minus strand). VCF-style: chr17-61847222-T-A. GRCh37 (hg19) VCF-style: chr17-59924583-T-A.
Identifiers: ClinVar variation 232339 (VCV000232339.14), dbSNP rs876659707, ClinGen allele CA10580872.
Genomic context (GRCh38, chr17:61,847,222, plus strand): 5'-GAATCAACTTTTGCATCCAAATTGTGTACTTCTGTTCCAAAGCAATGACGTTTTCTAATC[T>A]GTAAACACAGAACCAAAATGAAGTTTAAGGTGAACTAGAAGTTTAACTGGCTAGTTGTTC-3'

ClinVar aggregate classification (germline): Pathogenic/Likely pathogenic. Review status: criteria provided, multiple submitters, no conflicts (2 of 4 stars). 3 submissions from 3 submitters: Pathogenic (1); Likely pathogenic (2). Last evaluated 2025-01-27.

Conditions:
Fanconi anemia complementation group J. Also called: BRIP1-Related Fanconi Anemia. Identifiers: Orphanet 84, MedGen C1836860, MONDO:0012187, OMIM 609054.
Familial cancer of breast. Also called: Hereditary breast cancer; hereditary breast carcinoma; BREAST CANCER, FAMILIAL. Identifiers: Orphanet 227535, MedGen C0346153, MONDO:0016419, OMIM 114480. Disease mechanism: loss of function.
Hereditary cancer-predisposing syndrome. Also called: Hereditary Cancer Syndrome; Neoplastic Syndromes, Hereditary; Tumor predisposition; Hereditary neoplastic syndrome. Identifiers: Orphanet 140162, MedGen C0027672, MeSH D009386, MONDO:0015356.

Submissions (3):

Labcorp Genetics (formerly Invitae), Labcorp
Classification: Pathogenic for Familial cancer of breast; Fanconi anemia complementation group J. Last evaluated: 2025-01-27. Review status: criteria provided, single submitter. Criteria: Invitae Variant Classification Sherloc (09022015). Collection method: clinical testing. Allele origin: germline.
Comment: This sequence change affects an acceptor splice site in intron 5 of the BRIP1 gene. RNA analysis indicates that disruption of this splice site induces altered splicing and may result in an absent or altered protein product. This variant is not present in population databases (gnomAD no frequency). This variant has not been reported in the literature in individuals affected with BRIP1-related conditions. ClinVar contains an entry for this variant (Variation ID: 232339). Studies have shown that disruption of this splice site results in activation of a cryptic splice site, and produces a non-functional protein and/or introduces a premature termination codon (internal data). For these reasons, this variant has been classified as Pathogenic.

Myriad Genetics, Inc.
Classification: Likely pathogenic for Familial cancer of breast. Last evaluated: 2023-05-31. Review status: criteria provided, single submitter. Criteria: Myriad Autosomal Dominant, Autosomal Recessive and X-Linked Classification Criteria (2023). Collection method: clinical testing. Allele origin: unknown.
Comment: This variant is considered likely pathogenic. This variant occurs within a consensus splice junction and is predicted to result in abnormal mRNA splicing of either an out-of-frame exon or an in-frame exon necessary for protein stability and/or normal function. mRNA analysis has demonstrated abnormal mRNA splicing occurs [Myriad internal data].

Ambry Genetics
Classification: Likely pathogenic for Hereditary cancer-predisposing syndrome. Last evaluated: 2015-06-10. Review status: criteria provided, single submitter. Criteria: Ambry Variant Classification Scheme 2023. Collection method: clinical testing. Allele origin: germline.
Comment: The c.508-2A>T intronic variant results from an A to T substitution two nucleotides upstream from coding exon 5 in the BRIP1 gene. This variant was not reported in population based cohorts in the following databases: Database of Single Nucleotide Polymorphisms (dbSNP), NHLBI Exome Sequencing Project (ESP), and 1000 Genomes Project. In the ESP, this variant was not observed in 6503 samples (13006 alleles) with coverage at this position. To date, this alteration has been detected with an allele frequency of approximately 0.002% (greater than 65000 alleles tested) in our clinical cohort. This nucleotide position is highly conserved in available vertebrate species. Using the BDGP and ESEfinder splice site prediction tools, this alteration is predicted to abolish the native acceptor splice site; however, direct evidence is unavailable. Alterations that disrupt the canonical splice acceptor site are typically deleterious in nature (ACMG Recommendations for Standards for Interpretation and Reporting of Sequence Variations. Revision 2007. Genet Med. 2008;10:294). As such, the c.508-2A>T variant is classified as likely pathogenic.